The following is an entry in ClinVar:

ClinVar aggregate classification (germline): Uncertain significance (1 of 4 stars; one submission).

Conditions:
Axenfeld-Rieger syndrome type 3 (RIEG3). Also called: AXENFELD-RIEGER ANOMALY WITH CARDIAC DEFECTS AND/OR SENSORINEURAL HEARING LOSS. Identifiers: Orphanet 782, MedGen C2678503, MONDO:0011233, OMIM 602482.

Allele frequency attached by ClinVar (database versions not stated): TOPMed below 0.00001.
gnomAD v4.1: 1 of 1,607,930 alleles (0.000062%); highest among the groups gnomAD compares: Admixed American, 0.0017%; no homozygotes.

Submission:

Labcorp Genetics (formerly Invitae), Labcorp
Classification: Uncertain significance for Axenfeld-Rieger syndrome type 3. Last evaluated: 2023-11-27. Review status: criteria provided, single submitter. Criteria: Invitae Variant Classification Sherloc (09022015). Collection method: clinical testing. Allele origin: germline.
Comment: This sequence change replaces histidine, which is basic and polar, with arginine, which is basic and polar, at codon 52 of the FOXC1 protein (p.His52Arg). This variant is present in population databases (no rsID available, gnomAD 0.003%). This variant has not been reported in the literature in individuals affected with FOXC1-related conditions. An algorithm developed to predict the effect of missense changes on protein structure and function (PolyPhen-2) suggests that this variant is likely to be disruptive. In summary, the available evidence is currently insufficient to determine the role of this variant in disease. Therefore, it has been classified as a Variant of Uncertain Significance.

NM_001453.3(FOXC1):c.155A>G (p.His52Arg)

Gene: FOXC1 (forkhead box C1; plus strand). Cytogenetic location: 6p25.3.
Variant type: single nucleotide variant.
Coding change: c.155A>G on transcript NM_001453.3 (MANE Select); coding-DNA position 155, A replaced by G.
Protein change: p.His52Arg; replaces histidine 52 with arginine.
Molecular consequence: missense variant.
Genome position (GRCh38, 1-based): chr6:1,610,600, A>G. VCF-style: chr6-1610600-A-G. GRCh37 (hg19) VCF-style: chr6-1610835-A-G.
Other names: short protein forms H52R.
Identifiers: ClinVar variation 2994890 (VCV002994890.3), dbSNP rs1448805039, ClinGen allele CA362558195.